The following is an entry in ClinVar:

NM_001376.5(DYNC1H1):c.9908A>C (p.His3303Pro)

Gene: DYNC1H1 (dynein cytoplasmic 1 heavy chain 1; plus strand). Cytogenetic location: 14q32.31.
Variant type: single nucleotide variant.
Coding change: c.9908A>C on transcript NM_001376.5 (MANE Select); coding-DNA position 9908, A replaced by C.
Protein change: p.His3303Pro; replaces histidine 3303 with proline.
Molecular consequence: missense variant.
Genome position (GRCh38, 1-based): chr14:102,032,296, A>C. VCF-style: chr14-102032296-A-C. GRCh37 (hg19) VCF-style: chr14-102498633-A-C.
Other names: short protein forms H3303P.
Identifiers: ClinVar variation 4882978 (VCV004882978.2).

ClinVar aggregate classification (germline): Uncertain significance (1 of 4 stars; one submission).

Conditions:
Cortical dysplasia, complex, with other brain malformations 13. Also called: Intellectual disability, autosomal dominant 13. Identifiers: MedGen C3281202, MONDO:0013805, OMIM 614563.

Submission:

Dasa
Classification: Uncertain significance for Cortical dysplasia, complex, with other brain malformations 13. Last evaluated: 2026-04-17. Review status: criteria provided, single submitter. Criteria: DASA Assertion Criteria. Collection method: clinical testing. Allele origin: germline.
Comment: NM_001376.5(DYNC1H1):c.9908A>C (p.His3303Pro) is a missense variant that results in the substitution of histidine with proline. This variant is rare in population databases. Computational prediction algorithms are consistent with a deleterious effect. The currently available literature and clinical evidence are not sufficient to establish a definitive association between this variant and the reported condition. Therefore, this variant is classified as a variant of uncertain significance.